The following is an entry in ClinVar:

NM_152564.5(VPS13B):c.9788G>A (p.Cys3263Tyr)

Gene: VPS13B (vacuolar protein sorting 13 homolog B; plus strand). Cytogenetic location: 8q22.2.
Variant type: single nucleotide variant.
Coding change: c.9788G>A on transcript NM_152564.5 (MANE Select); coding-DNA position 9788, G replaced by A.
Protein change: p.Cys3263Tyr; replaces cysteine 3263 with tyrosine.
Molecular consequence: missense variant.
Genome position (GRCh38, 1-based): chr8:99,835,584, G>A. VCF-style: chr8-99835584-G-A. GRCh37 (hg19) VCF-style: chr8-100847812-G-A.
Other names: c.9863G>A, p.Cys3288Tyr (NM_017890.5); c.9788G>A (NM_152564.4); c.9863G>A (NM_017890.3); short protein forms C3288Y, C3263Y.
Identifiers: ClinVar variation 1389639 (VCV001389639.8), dbSNP rs749573516, ClinGen allele CA4824805.

ClinVar aggregate classification (germline): Uncertain significance. Review status: criteria provided, multiple submitters, no conflicts (2 of 4 stars). 4 submissions from 4 submitters: Uncertain significance (4). Last evaluated 2026-08-12.

Conditions:
Cohen syndrome (COH1). Also called: Cutis verticis gyrata, retinitis pigmentosa, and sensorineural deafness; PEPPER SYNDROME. Identifiers: Orphanet 193, MedGen C0265223, MONDO:0008999, OMIM 216550.
VPS13B-related disorder. Also called: VPS13B-related condition.
Inborn genetic diseases. Identifiers: MedGen C0950123, MeSH D030342.

Allele frequency attached by ClinVar (database versions not stated): gnomAD exomes 0.00001 and 0.00002; ExAC 0.00003.
gnomAD v4.1: 18 of 1,614,114 alleles (0.0011%); highest among the groups gnomAD compares: South Asian, 0.0022%; no homozygotes.

Submissions (4):

GeneDx
Classification: Uncertain significance. Last evaluated: 2026-08-12. Review status: criteria provided, single submitter. Criteria: GeneDx Variant Classification Process June 2021. Collection method: clinical testing. Allele origin: germline.
Comment: Not observed at significant frequency in large population cohorts (gnomAD); In silico analysis supports that this missense variant has a deleterious effect on protein structure/function; Has not been previously published as pathogenic or benign to our knowledge

PreventionGenetics, part of Exact Sciences
Classification: Uncertain significance for VPS13B-related condition. Last evaluated: 2025-05-02. Review status: criteria provided, single submitter. Criteria: ACMG Guidelines, 2015. Collection method: clinical testing. Allele origin: germline.
Comment: The VPS13B c.9788G>A variant is predicted to result in the amino acid substitution p.Cys3263Tyr. To our knowledge, this variant has not been reported in the literature. This variant is reported in 0.0044% of alleles in individuals of European (Non-Finnish) descent in gnomAD. At this time, the clinical significance of this variant is uncertain due to the absence of conclusive functional and genetic evidence.

Labcorp Genetics (formerly Invitae), Labcorp
Classification: Uncertain significance for Cohen syndrome. Last evaluated: 2024-09-01. Review status: criteria provided, single submitter. Criteria: Invitae Variant Classification Sherloc (09022015). Collection method: clinical testing. Allele origin: germline.
Comment: This sequence change replaces cysteine, which is neutral and slightly polar, with tyrosine, which is neutral and polar, at codon 3288 of the VPS13B protein (p.Cys3288Tyr). This variant is present in population databases (rs749573516, gnomAD 0.004%). This variant has not been reported in the literature in individuals affected with VPS13B-related conditions. ClinVar contains an entry for this variant (Variation ID: 1389639). Invitae Evidence Modeling of protein sequence and biophysical properties (such as structural, functional, and spatial information, amino acid conservation, physicochemical variation, residue mobility, and thermodynamic stability) indicates that this missense variant is not expected to disrupt VPS13B protein function with a negative predictive value of 80%. In summary, the available evidence is currently insufficient to determine the role of this variant in disease. Therefore, it has been classified as a Variant of Uncertain Significance.

Ambry Genetics
Classification: Uncertain significance for Inborn genetic diseases. Last evaluated: 2023-12-20. Review status: criteria provided, single submitter. Criteria: Ambry Variant Classification Scheme 2023. Collection method: clinical testing. Allele origin: germline.